The following is an entry in ClinVar:

ClinVar aggregate classification (germline): Uncertain significance (1 of 4 stars; one submission).

Conditions:
Neurodevelopmental disorder with or without hyperkinetic movements and seizures, autosomal dominant. Also called: Intellectual disability, autosomal dominant 8. Identifiers: MedGen C3280282, MONDO:0013655, OMIM 614254.

Submission:

Labcorp Genetics (formerly Invitae), Labcorp
Classification: Uncertain significance for Neurodevelopmental disorder with or without hyperkinetic movements and seizures, autosomal dominant. Last evaluated: 2024-06-20. Review status: criteria provided, single submitter. Criteria: Invitae Variant Classification Sherloc (09022015). Collection method: clinical testing. Allele origin: germline.
Comment: This sequence change replaces asparagine, which is neutral and polar, with aspartic acid, which is acidic and polar, at codon 300 of the GRIN1 protein (p.Asn300Asp). This variant is not present in population databases (gnomAD no frequency). This variant has not been reported in the literature in individuals affected with GRIN1-related conditions. Advanced modeling of protein sequence and biophysical properties (such as structural, functional, and spatial information, amino acid conservation, physicochemical variation, residue mobility, and thermodynamic stability) has been performed at Invitae for this missense variant, however the output from this modeling did not meet the statistical confidence thresholds required to predict the impact of this variant on GRIN1 protein function. In summary, the available evidence is currently insufficient to determine the role of this variant in disease. Therefore, it has been classified as a Variant of Uncertain Significance.

NM_007327.4(GRIN1):c.898A>G (p.Asn300Asp)

Gene: GRIN1 (glutamate ionotropic receptor NMDA type subunit 1; plus strand). Cytogenetic location: 9q34.3.
Variant type: single nucleotide variant.
Coding change: c.898A>G on transcript NM_007327.4 (MANE Select); coding-DNA position 898, A replaced by G.
Protein change: p.Asn300Asp; replaces asparagine 300 with aspartic acid.
Molecular consequence: missense variant.
Genome position (GRCh38, 1-based): chr9:137,156,967, A>G. VCF-style: chr9-137156967-A-G. GRCh37 (hg19) VCF-style: chr9-140051419-A-G.
Other names: c.961A>G, p.Asn321Asp (NM_001185091.2, NM_001185090.2); c.898A>G, p.Asn300Asp (NM_021569.4, NM_000832.7); short protein forms N300D, N321D.
Identifiers: ClinVar variation 3657137 (VCV003657137.2).